The following is an entry in ClinVar:

NM_001101362.3(KBTBD13):c.1269G>A (p.Leu423=)

Gene: KBTBD13 (kelch repeat and BTB domain containing 13; plus strand). Cytogenetic location: 15q22.31.
Variant type: single nucleotide variant.
Coding change: c.1269G>A on transcript NM_001101362.3 (MANE Select); coding-DNA position 1269, G replaced by A.
Protein change: p.Leu423=; no amino-acid change (leucine 423 retained).
Molecular consequence: synonymous variant.
Genome position (GRCh38, 1-based): chr15:65,078,084, G>A. VCF-style: chr15-65078084-G-A. GRCh37 (hg19) VCF-style: chr15-65370422-G-A.
Identifiers: ClinVar variation 3700905 (VCV003700905.2).

ClinVar aggregate classification (germline): Uncertain significance (1 of 4 stars; one submission).

Conditions:
Nemaline myopathy 6 (NEM6). Also called: Nemaline myopathy 6, autosomal dominant. Identifiers: Orphanet 171439, MedGen C1836472, MONDO:0012237, OMIM 609273.

Submission:

Labcorp Genetics (formerly Invitae), Labcorp
Classification: Uncertain significance for Nemaline myopathy 6. Last evaluated: 2025-01-29. Review status: criteria provided, single submitter. Criteria: Invitae Variant Classification Sherloc (09022015). Collection method: clinical testing. Allele origin: germline.
Comment: This sequence change affects codon 423 of the KBTBD13 mRNA. It is a 'silent' change, meaning that it does not change the encoded amino acid sequence of the KBTBD13 protein. The frequency data for this variant in the population databases is considered unreliable, as metrics indicate poor data quality at this position in the gnomAD database. This variant has not been reported in the literature in individuals affected with KBTBD13-related conditions. In summary, the available evidence is currently insufficient to determine the role of this variant in disease. Therefore, it has been classified as a Variant of Uncertain Significance.